The following is an entry in ClinVar:

NM_000142.5(FGFR3):c.188C>G (p.Pro63Arg)

Gene: FGFR3 (fibroblast growth factor receptor 3; plus strand). Cytogenetic location: 4p16.3.
Variant type: single nucleotide variant.
Coding change: c.188C>G on transcript NM_000142.5 (MANE Select); coding-DNA position 188, C replaced by G.
Protein change: p.Pro63Arg; replaces proline 63 with arginine.
Molecular consequence: missense variant. On other transcripts: non-coding transcript variant (1).
Genome position (GRCh38, 1-based): chr4:1,799,332, C>G. VCF-style: chr4-1799332-C-G. GRCh37 (hg19) VCF-style: chr4-1801059-C-G.
Other names: c.188C>G, p.Pro63Arg (NM_001163213.2, NM_001354809.2, NM_001354810.2 and 1 more transcripts); short protein forms P63R.
Identifiers: ClinVar variation 465348 (VCV000465348.13), dbSNP rs371729802, ClinGen allele CA2809737.
Genomic context (GRCh38, chr4:1,799,332, plus strand): 5'-CCGGCCAGCAGGAGCAGTTGGTCTTCGGCAGCGGGGATGCTGTGGAGCTGAGCTGTCCCC[C>G]GCCCGGGGGTGGTCCCATGGGGCCCACTGTCTGGGTCAAGGATGGCACAGGGCTGGTGCC-3'
Protein context (NP_000133.1, residues 53-73): SGDAVELSCP[Pro63Arg]PGGGPMGPTV

ClinVar aggregate classification (germline): Conflicting classifications of pathogenicity. Review status: criteria provided, conflicting classifications (1 of 4 stars). 2 submissions from 2 submitters: Uncertain significance (1); Likely benign (1). Last evaluated 2024-11-22.

Allele frequency attached by ClinVar (database versions not stated): TOPMed 0.00005; ESP Exome Variant Server 0.00008.
gnomAD v4.1: 71 of 1,612,470 alleles (0.0044%); highest among the groups gnomAD compares: Non-Finnish European, 0.0058%; no homozygotes.

Submissions (2):

Labcorp Genetics (formerly Invitae), Labcorp
Classification: Uncertain significance. Last evaluated: 2024-11-22. Review status: criteria provided, single submitter. Criteria: Invitae Variant Classification Sherloc (09022015). Collection method: clinical testing. Allele origin: germline.
Comment: This sequence change replaces proline, which is neutral and non-polar, with arginine, which is basic and polar, at codon 63 of the FGFR3 protein (p.Pro63Arg). This variant is present in population databases (rs371729802, gnomAD 0.007%). This variant has not been reported in the literature in individuals affected with FGFR3-related conditions. ClinVar contains an entry for this variant (Variation ID: 465348). An algorithm developed to predict the effect of missense changes on protein structure and function outputs the following: PolyPhen-2: "Benign". The arginine amino acid residue is found in multiple mammalian species, which suggests that this missense change does not adversely affect protein function. In summary, the available evidence is currently insufficient to determine the role of this variant in disease. Therefore, it has been classified as a Variant of Uncertain Significance.

Institute for Genomic Medicine (IGM) Clinical Laboratory, Nationwide Children's Hospital
Classification: Likely benign. Last evaluated: 2017-07-17. Review status: criteria provided, single submitter. Criteria: ACMG Guidelines, 2015. Collection method: clinical testing. Allele origin: germline.
Comment: BS2, BP4.